The following is an entry in ClinVar:

ClinVar aggregate classification (germline): Benign/Likely benign. Review status: criteria provided, multiple submitters, no conflicts (2 of 4 stars). 3 submissions from 3 submitters: Benign (1); Likely benign (1). 1 of the submissions does not count toward it. Last evaluated 2025-09-02.

Conditions:
NHS-related disorder. Also called: NHS-related condition.
Inborn genetic diseases. Identifiers: MedGen C0950123, MeSH D030342.
Nance-Horan syndrome (NHS). Identifiers: Orphanet 627, MedGen C0796085, MONDO:0010545, OMIM 302350.

Allele frequency attached by ClinVar (database versions not stated): gnomAD exomes 0.00002 and 0.00012; gnomAD 0.00004 and 0.00005; ExAC 0.00008; TOPMed 0.00010; 1000 Genomes Project 0.00053; 1000 Genomes Project 30x 0.00062.

Submissions (3):

Labcorp Genetics (formerly Invitae), Labcorp
Classification: Benign for Nance-Horan syndrome. Last evaluated: 2025-09-02. Review status: criteria provided, single submitter. Criteria: Invitae Variant Classification Sherloc (09022015). Collection method: clinical testing. Allele origin: germline.

Ambry Genetics
Classification: Likely benign for Inborn genetic diseases. Last evaluated: 2023-02-01. Review status: criteria provided, single submitter. Criteria: Ambry Variant Classification Scheme 2023. Collection method: clinical testing. Allele origin: germline.

PreventionGenetics, part of Exact Sciences
Classification: Likely benign for NHS-related condition. Last evaluated: 2023-06-28. Review status: no assertion criteria provided. Collection method: clinical testing. Allele origin: germline. Not counted in ClinVar's aggregate classification.
Comment: This variant is classified as likely benign based on ACMG/AMP sequence variant interpretation guidelines (Richards et al. 2015 PMID: 25741868, with internal and published modifications).

NM_001291867.2(NHS):c.2791G>T (p.Asp931Tyr)

Gene: NHS (NHS actin remodeling regulator; plus strand). Cytogenetic location: Xp22.13.
Variant type: single nucleotide variant.
Coding change: c.2791G>T on transcript NM_001291867.2 (MANE Select); coding-DNA position 2791, G replaced by T.
Protein change: p.Asp931Tyr; replaces aspartic acid 931 with tyrosine.
Molecular consequence: missense variant.
Genome position (GRCh38, 1-based): chrX:17,726,897, G>T. VCF-style: chrX-17726897-G-T. GRCh37 (hg19) VCF-style: chrX-17745017-G-T.
Other names: c.2728G>T (NM_198270.3, NM_198270.2); c.2260G>T, p.Asp754Tyr (NM_001136024.4); c.2197G>T, p.Asp733Tyr (NM_001291868.2); c.2728G>T, p.Asp910Tyr (NM_198270.4); short protein forms D733Y, D754Y, D910Y, D931Y.
Identifiers: ClinVar variation 1167600 (VCV001167600.12), dbSNP rs192848792, ClinGen allele CA10358760.